The following is an entry in ClinVar:

NM_003072.5(SMARCA4):c.1898C>T (p.Ala633Val)

Gene: SMARCA4 (SWI/SNF related BAF chromatin remodeling complex subunit ATPase 4; plus strand). Cytogenetic location: 19p13.2.
Variant type: single nucleotide variant.
Coding change: c.1898C>T on transcript NM_003072.5 (MANE Select); coding-DNA position 1898, C replaced by T.
Protein change: p.Ala633Val; replaces alanine 633 with valine.
Molecular consequence: missense variant. On other transcripts: non-coding transcript variant (1).
Genome position (GRCh38, 1-based): chr19:11,003,114, C>T. VCF-style: chr19-11003114-C-T. GRCh37 (hg19) VCF-style: chr19-11113790-C-T.
Other names: c.1898C>T, p.Ala633Val (NM_001128844.3, NM_001128845.2, NM_001128846.2 and 6 more transcripts); short protein forms A633V.
Identifiers: ClinVar variation 2487196 (VCV002487196.2), dbSNP rs760352227, ClinGen allele CA404051631.

ClinVar aggregate classification (germline): Uncertain significance (1 of 4 stars; one submission).

Conditions:
Hereditary cancer-predisposing syndrome. Also called: Neoplastic Syndromes, Hereditary; Hereditary neoplastic syndrome; Tumor predisposition; Hereditary Cancer Syndrome. Identifiers: Orphanet 140162, MedGen C0027672, MeSH D009386, MONDO:0015356.

Submission:

Ambry Genetics
Classification: Uncertain significance for Hereditary cancer-predisposing syndrome. Last evaluated: 2023-03-13. Review status: criteria provided, single submitter. Criteria: Ambry Variant Classification Scheme 2023. Collection method: clinical testing. Allele origin: germline.
Comment: The p.A633V variant (also known as c.1898C>T), located in coding exon 11 of the SMARCA4 gene, results from a C to T substitution at nucleotide position 1898. The alanine at codon 633 is replaced by valine, an amino acid with similar properties. This amino acid position is highly conserved in available vertebrate species. In addition, the in silico prediction for this alteration is inconclusive. Missense and in-frame variants in SMARCA4 are known to cause neurodevelopmental disorders; however, such associations with rhabdoid tumor predisposition syndrome including small cell carcinoma of the ovary-hypercalcemic type (SCCOHT) are exceedingly rare (Kosho T et al. Am J Med Genet C Semin Med Genet. 2014 Sep;166C(3):262-75; Jelinic P et al. Nat Genet. 2014 May;46(5):424-6). Since supporting evidence is limited at this time, the clinical significance of this alteration remains unclear.